The following is an entry in ClinVar:

ClinVar aggregate classification (germline): Uncertain significance (1 of 4 stars; one submission).

Conditions:
Marfan syndrome (MFS). Also called: FBN1-Related Marfan Syndrome; MARFAN SYNDROME, TYPE I; Marfan syndrome type 1; Marfan's syndrome; Marfan syndrome, classic. Identifiers: Orphanet 284963, Orphanet 558, MedGen C0024796, MONDO:0007947, OMIM 154700.
Familial thoracic aortic aneurysm and aortic dissection (TAAD). Also called: Thoracic aortic aneurysms and dissections. Identifiers: Orphanet 91387, MedGen C4707243, MONDO:0019625.

Submission:

Labcorp Genetics (formerly Invitae), Labcorp
Classification: Uncertain significance for Marfan syndrome; Familial thoracic aortic aneurysm and aortic dissection. Last evaluated: 2025-12-09. Review status: criteria provided, single submitter. Criteria: Invitae Variant Classification Sherloc (09022015). Collection method: clinical testing. Allele origin: germline.
Comment: This sequence change replaces leucine, which is neutral and non-polar, with histidine, which is basic and polar, at codon 710 of the FBN1 protein (p.Leu710His). This variant is not present in population databases (gnomAD no frequency). This variant has not been reported in the literature in individuals affected with FBN1-related conditions. Invitae Evidence Modeling of protein sequence and biophysical properties (such as structural, functional, and spatial information, amino acid conservation, physicochemical variation, residue mobility, and thermodynamic stability) indicates that this missense variant is expected to disrupt FBN1 protein function with a positive predictive value of 95%. In summary, the available evidence is currently insufficient to determine the role of this variant in disease. Therefore, it has been classified as a Variant of Uncertain Significance.

NM_000138.5(FBN1):c.2129T>A (p.Leu710His)

Gene: FBN1 (fibrillin 1; minus strand). Cytogenetic location: 15q21.1.
Variant type: single nucleotide variant.
Coding change: c.2129T>A on transcript NM_000138.5 (MANE Select); coding-DNA position 2129, T replaced by A.
Protein change: p.Leu710His; replaces leucine 710 with histidine.
Molecular consequence: missense variant.
Genome position (GRCh38, 1-based): chr15:48,499,023, A>T on the plus strand (T>A on the coding strand, the complement: FBN1 is on the minus strand). VCF-style: chr15-48499023-A-T. GRCh37 (hg19) VCF-style: chr15-48791220-A-T.
Other names: c.2129T>A, p.Leu710His (NM_001406716.1); short protein forms L710H.
Identifiers: ClinVar variation 4790947 (VCV004790947.1).